The following is an entry in ClinVar:

ClinVar aggregate classification (germline): Uncertain significance (1 of 4 stars; one submission).

Conditions:
Hereditary cancer-predisposing syndrome. Also called: Neoplastic Syndromes, Hereditary; Tumor predisposition; Hereditary neoplastic syndrome; Hereditary Cancer Syndrome. Identifiers: Orphanet 140162, MedGen C0027672, MeSH D009386, MONDO:0015356.

Submission:

Ambry Genetics
Classification: Uncertain significance for Hereditary cancer-predisposing syndrome. Last evaluated: 2018-10-09. Review status: criteria provided, single submitter. Criteria: Ambry Variant Classification Scheme 2023. Collection method: clinical testing. Allele origin: germline.
Comment: The p.Q197R variant (also known as c.590A>G), located in coding exon 7 of the SMARCE1 gene, results from an A to G substitution at nucleotide position 590. The glutamine at codon 197 is replaced by arginine, an amino acid with highly similar properties. This amino acid position is highly conserved in available vertebrate species. In addition, the in silico prediction for this alteration is inconclusive. Since supporting evidence is limited at this time, the clinical significance of this alteration remains unclear.

NM_003079.5(SMARCE1):c.590A>G (p.Gln197Arg)

Gene: SMARCE1 (SWI/SNF related BAF chromatin remodeling complex subunit E1; minus strand). Cytogenetic location: 17q21.2.
Variant type: single nucleotide variant.
Coding change: c.590A>G on transcript NM_003079.5 (MANE Select); coding-DNA position 590, A replaced by G.
Protein change: p.Gln197Arg; replaces glutamine 197 with arginine.
Molecular consequence: missense variant.
Genome position (GRCh38, 1-based): chr17:40,632,319, T>C on the plus strand (A>G on the coding strand, the complement: SMARCE1 is on the minus strand). VCF-style: chr17-40632319-T-C. GRCh37 (hg19) VCF-style: chr17-38788571-T-C.
Other names: short protein forms Q197R.
Identifiers: ClinVar variation 826049 (VCV000826049.4), dbSNP rs1597743632, ClinGen allele CA399364807.